The following is an entry in ClinVar:

NM_000051.4(ATM):c.2895T>C (p.Asp965=)

Gene: ATM (ATM serine/threonine kinase; plus strand). Cytogenetic location: 11q22.3.
Variant type: single nucleotide variant.
Coding change: c.2895T>C on transcript NM_000051.4 (MANE Select); coding-DNA position 2895, T replaced by C.
Protein change: p.Asp965=; no amino-acid change (aspartic acid 965 retained).
Molecular consequence: synonymous variant.
Genome position (GRCh38, 1-based): chr11:108,271,120, T>C. VCF-style: chr11-108271120-T-C. GRCh37 (hg19) VCF-style: chr11-108141847-T-C.
Other names: c.2895T>C, p.Asp965= (NM_001351834.2).
Identifiers: ClinVar variation 479012 (VCV000479012.17), dbSNP rs1424320755, ClinGen allele CA476674188.
Genomic context (GRCh38, chr11:108,271,120, plus strand): 5'-TTAGTATCTAATGCTTTTAAAGGAGCTTCCTGGAGAAGAGTACCCCTTGCCAATGGAAGA[T>C]GTTCTTGAACTTCTGAAACCACTATCGTAAGAAATTAAAACCTTATGTTATGTTCACTTT-3'
Protein context (NP_000042.3, residues 955-975): PGEEYPLPME[Asp965=]VLELLKPLSN

ClinVar aggregate classification (germline): Benign/Likely benign. Review status: criteria provided, multiple submitters, no conflicts (2 of 4 stars). 3 submissions from 3 submitters: Benign (1); Likely benign (2). Last evaluated 2024-08-06.

Conditions:
Hereditary cancer-predisposing syndrome. Also called: Tumor predisposition; Neoplastic Syndromes, Hereditary; Hereditary Cancer Syndrome; Hereditary neoplastic syndrome. Identifiers: Orphanet 140162, MedGen C0027672, MeSH D009386, MONDO:0015356.
Familial cancer of breast. Also called: BREAST CANCER, FAMILIAL; Hereditary breast cancer; hereditary breast carcinoma. Identifiers: Orphanet 227535, MedGen C0346153, MONDO:0016419, OMIM 114480. Disease mechanism: loss of function.
Ataxia-telangiectasia syndrome (AT). Also called: Cerebello-oculocutaneous telangiectasia; Immunodeficiency with ataxia telangiectasia; ATAXIA-TELANGIECTASIA, COMPLEMENTATION GROUP A; Ataxia-telangiectasia, complementation group D; AT, COMPLEMENTATION GROUP C; ATAXIA-TELANGIECTASIA, FRESNO VARIANT. Identifiers: Orphanet 100, MedGen C0004135, MONDO:0008840, OMIM 208900.

Allele frequency attached by ClinVar (database versions not stated): gnomAD exomes below 0.00001.
gnomAD v4.1: 2 of 1,614,156 alleles (0.00012%); highest among the groups gnomAD compares: Non-Finnish European, 0.00017%; no homozygotes.

Submissions (3):

Labcorp Genetics (formerly Invitae), Labcorp
Classification: Likely benign for Ataxia-telangiectasia syndrome. Last evaluated: 2024-08-06. Review status: criteria provided, single submitter. Criteria: Invitae Variant Classification Sherloc (09022015). Collection method: clinical testing. Allele origin: germline.

Myriad Genetics, Inc.
Classification: Benign for Familial cancer of breast. Last evaluated: 2024-05-10. Review status: criteria provided, single submitter. Criteria: Myriad Autosomal Dominant, Autosomal Recessive and X-Linked Classification Criteria (2023). Collection method: clinical testing. Allele origin: unknown.
Comment: This variant is considered benign. This variant is a silent/synonymous amino acid change and it is not expected to impact splicing.

Ambry Genetics
Classification: Likely benign for Hereditary cancer-predisposing syndrome. Last evaluated: 2016-07-11. Review status: criteria provided, single submitter. Criteria: Ambry Variant Classification Scheme 2023. Collection method: clinical testing. Allele origin: germline.